The following is an entry in ClinVar:

NM_002617.4(PEX10):c.424C>T (p.Arg142Trp)

Gene: PEX10 (peroxisomal biogenesis factor 10; minus strand). Cytogenetic location: 1p36.32.
Variant type: single nucleotide variant.
Coding change: c.424C>T on transcript NM_002617.4 (MANE Select); coding-DNA position 424, C replaced by T.
Protein change: p.Arg142Trp; replaces arginine 142 with tryptophan.
Molecular consequence: missense variant. On other transcripts: 5 prime UTR variant (2), non-coding transcript variant (1).
Genome position (GRCh38, 1-based): chr1:2,408,628, G>A on the plus strand (C>T on the coding strand, the complement: PEX10 is on the minus strand). VCF-style: chr1-2408628-G-A. GRCh37 (hg19) VCF-style: chr1-2340067-G-A.
Other names: c.424C>T, p.Arg142Trp (NM_001374425.1, NM_153818.2); c.-9C>T (NM_001374426.1, NM_001374427.1); c.424C>T (NM_153818.1); short protein forms R142W.
Identifiers: ClinVar variation 499527 (VCV000499527.9), dbSNP rs372914003, ClinGen allele CA538179.
Genomic context (GRCh38, chr1:2,408,628, plus strand): 5'-GCAGCAGCGCCCTCCTCTGCTGCTCAGTCAGGGTGGCCGTGTGGTGACGCATCCAGCGCC[G>A]CGCCCCTGAGCAGCCACGCCCACCTGGCCCCAGGCTCCCCTGCAAGGGTCGCCCACTGTC-3'
Protein context (NP_002608.1, residues 132-152): GPGGRGCSGA[Arg142Trp]RWMRHHTATL

ClinVar aggregate classification (germline): Uncertain significance. Review status: criteria provided, multiple submitters, no conflicts (2 of 4 stars). 3 submissions from 3 submitters: Uncertain significance (3). Last evaluated 2024-04-06.

Conditions:
Peroxisome biogenesis disorder, complementation group 7 (CG7). Also called: Peroxisome biogenesis disorder, complementation group B. Identifiers: MedGen C1864399.
Inborn genetic diseases. Identifiers: MedGen C0950123, MeSH D030342.

Allele frequency attached by ClinVar (database versions not stated): gnomAD exomes 0.00004 and 0.00007; ExAC 0.00006; gnomAD 0.00015 and 0.00016; TOPMed 0.00015; ESP Exome Variant Server 0.00031.

Submissions (3):

Ambry Genetics
Classification: Uncertain significance for Inborn genetic diseases. Last evaluated: 2024-04-06. Review status: criteria provided, single submitter. Criteria: Ambry Variant Classification Scheme 2023. Collection method: clinical testing. Allele origin: germline.

Labcorp Genetics (formerly Invitae), Labcorp
Classification: Uncertain significance for Peroxisome biogenesis disorder, complementation group 7. Last evaluated: 2022-08-19. Review status: criteria provided, single submitter. Criteria: Invitae Variant Classification Sherloc (09022015). Collection method: clinical testing. Allele origin: germline.
Comment: This sequence change replaces arginine, which is basic and polar, with tryptophan, which is neutral and slightly polar, at codon 142 of the PEX10 protein (p.Arg142Trp). This variant is present in population databases (rs372914003, gnomAD 0.03%). This variant has not been reported in the literature in individuals affected with PEX10-related conditions. ClinVar contains an entry for this variant (Variation ID: 499527). Algorithms developed to predict the effect of missense changes on protein structure and function (SIFT, PolyPhen-2, Align-GVGD) all suggest that this variant is likely to be tolerated. In summary, the available evidence is currently insufficient to determine the role of this variant in disease. Therefore, it has been classified as a Variant of Uncertain Significance.

Eurofins Ntd Llc (ga)
Classification: Uncertain significance. Last evaluated: 2017-01-31. Review status: criteria provided, single submitter. Criteria: EGL Classification Definitions 2015. Collection method: clinical testing. Allele origin: germline. Observed: 1 variant allele, 1 heterozygote.